The following is an entry in ClinVar:

ClinVar aggregate classification (germline): Uncertain significance. Review status: no assertion criteria provided (0 of 4 stars). 2 submissions from 1 submitter: Uncertain significance (1). 1 of the submissions does not count toward it.

gnomAD v4.1: 1 of 1,178,915 alleles (0.000085%); highest among the groups gnomAD compares: South Asian, 0.0019%; no homozygotes.

Submissions (2):

Richard Lifton Laboratory, Yale University School of Medicine
Classification: Uncertain significance. Review status: no assertion criteria provided. Collection method: not provided. Allele origin: somatic.
Comment: SPANXN4:p.R57G
ClinVar note: Converted during submission from unknown to Uncertain significance.

Richard Lifton Laboratory, Yale University School of Medicine
Classification: Uncertain significance. Review status: flagged submission. Collection method: not provided. Allele origin: somatic. Not counted in ClinVar's aggregate classification.
ClinVar note: Converted during submission from unknown to Uncertain significance.
ClinVar note: Reason: This record appears to be redundant with a more recent record from the same submitter.
ClinVar note: Notes: SCV000120040 appears to be redundant with SCV000155143.

NM_001009613.4(SPANXN4):c.169A>G (p.Arg57Gly)

Gene: SPANXN4 (SPANX family member N4; plus strand). Cytogenetic location: Xq27.3.
Variant type: single nucleotide variant.
Coding change: c.169A>G on transcript NM_001009613.4 (MANE Select); coding-DNA position 169, A replaced by G.
Protein change: p.Arg57Gly; replaces arginine 57 with glycine.
Molecular consequence: missense variant.
Genome position (GRCh38, 1-based): chrX:143,034,115, A>G. VCF-style: chrX-143034115-A-G. GRCh37 (hg19) VCF-style: chrX-142121901-A-G.
Other names: short protein forms R57G.
Identifiers: ClinVar variation 100820 (VCV000100820.2), dbSNP rs483352701, ClinGen allele CA229061.